The following is an entry in ClinVar:

NM_000388.4(CASR):c.715T>G (p.Phe239Val)

Gene: CASR (calcium sensing receptor; plus strand). Cytogenetic location: 3q21.1.
Variant type: single nucleotide variant.
Coding change: c.715T>G on transcript NM_000388.4 (MANE Select); coding-DNA position 715, T replaced by G.
Protein change: p.Phe239Val; replaces phenylalanine 239 with valine.
Molecular consequence: missense variant.
Genome position (GRCh38, 1-based): chr3:122,261,750, T>G. VCF-style: chr3-122261750-T-G. GRCh37 (hg19) VCF-style: chr3-121980597-T-G.
Other names: c.715T>G, p.Phe239Val (NM_001178065.2); short protein forms F239V.
Identifiers: ClinVar variation 2936084 (VCV002936084.3), dbSNP rs2473226130, ClinGen allele CA354151194.

ClinVar aggregate classification (germline): Uncertain significance (1 of 4 stars; one submission).

Conditions:
Familial hypocalciuric hypercalcemia (FHH). Also called: Familial benign hypercalcemia. Identifiers: Orphanet 405, MedGen C1809471, MONDO:0018458.
Autosomal dominant hypocalcemia 1 (HYPOC1). Also called: HYPOCALCEMIA, FAMILIAL. Identifiers: MedGen C3715128, MONDO:0011013, OMIM 601198.

Submission:

Labcorp Genetics (formerly Invitae), Labcorp
Classification: Uncertain significance for Familial hypocalciuric hypercalcemia; Autosomal dominant hypocalcemia 1. Last evaluated: 2023-04-08. Review status: criteria provided, single submitter. Criteria: Invitae Variant Classification Sherloc (09022015). Collection method: clinical testing. Allele origin: germline.
Comment: This variant is not present in population databases (gnomAD no frequency). In summary, the available evidence is currently insufficient to determine the role of this variant in disease. Therefore, it has been classified as a Variant of Uncertain Significance. An algorithm developed to predict the effect of missense changes on protein structure and function (PolyPhen-2) suggests that this variant is likely to be disruptive. This variant has not been reported in the literature in individuals affected with CASR-related conditions. This sequence change replaces phenylalanine, which is neutral and non-polar, with valine, which is neutral and non-polar, at codon 239 of the CASR protein (p.Phe239Val).